The following is an entry in ClinVar:

ClinVar aggregate classification (germline): Conflicting classifications of pathogenicity. Review status: criteria provided, conflicting classifications (1 of 4 stars). 2 submissions from 2 submitters: Uncertain significance (1); Likely benign (1). Last evaluated 2025-08-08.

Conditions:
Inborn genetic diseases. Identifiers: MedGen C0950123, MeSH D030342.
Hyperammonemic encephalopathy due to carbonic anhydrase VA deficiency. Also called: Carbonic anhydrase VA deficiency, hyperammonemia due to; Carbonic Anhydrase VA Deficiency. Identifiers: Orphanet 401948, MedGen C4706871, MONDO:0014332, OMIM 615751.

Allele frequency attached by ClinVar (database versions not stated): gnomAD 0.00004; ExAC 0.00005; gnomAD exomes 0.00005.
gnomAD v4.1: 39 of 1,606,028 alleles (0.0024%); highest among the groups gnomAD compares: Middle Eastern, 0.033%; no homozygotes.

Submissions (2):

Ambry Genetics
Classification: Likely benign for Inborn genetic diseases. Last evaluated: 2025-08-08. Review status: criteria provided, single submitter. Criteria: Ambry Variant Classification Scheme 2023. Collection method: clinical testing. Allele origin: germline.

Labcorp Genetics (formerly Invitae), Labcorp
Classification: Uncertain significance for Hyperammonemic encephalopathy due to carbonic anhydrase VA deficiency. Last evaluated: 2021-09-06. Review status: criteria provided, single submitter. Criteria: Invitae Variant Classification Sherloc (09022015). Collection method: clinical testing. Allele origin: germline.
Comment: This sequence change replaces alanine with valine at codon 149 of the CA5A protein (p.Ala149Val). The alanine residue is weakly conserved and there is a small physicochemical difference between alanine and valine. This variant is present in population databases (rs113386477, ExAC 0.02%). This variant has not been reported in the literature in individuals affected with CA5A-related conditions. Algorithms developed to predict the effect of missense changes on protein structure and function output the following: SIFT: "Tolerated"; PolyPhen-2: "Benign"; Align-GVGD: "Class C0". The valine amino acid residue is found in multiple mammalian species, which suggests that this missense change does not adversely affect protein function. In summary, the available evidence is currently insufficient to determine the role of this variant in disease. Therefore, it has been classified as a Variant of Uncertain Significance.

NM_001739.2(CA5A):c.446C>T (p.Ala149Val)

Gene: CA5A (carbonic anhydrase 5A; minus strand). Cytogenetic location: 16q24.2.
Variant type: single nucleotide variant.
Coding change: c.446C>T on transcript NM_001739.2 (MANE Select); coding-DNA position 446, C replaced by T.
Protein change: p.Ala149Val; replaces alanine 149 with valine.
Molecular consequence: missense variant. On other transcripts: non-coding transcript variant (1).
Genome position (GRCh38, 1-based): chr16:87,904,799, G>A on the plus strand (C>T on the coding strand, the complement: CA5A is on the minus strand). VCF-style: chr16-87904799-G-A. GRCh37 (hg19) VCF-style: chr16-87938405-G-A.
Other names: c.446C>T (NM_001739.1); c.446C>T, p.Ala149Val (NM_001367225.1); short protein forms A149V.
Identifiers: ClinVar variation 1414664 (VCV001414664.4), dbSNP rs113386477, ClinGen allele CA8223491.